The following is an entry in ClinVar:

NM_021005.4(NR2F2):c.691C>A (p.Pro231Thr)

Gene: NR2F2 (nuclear receptor subfamily 2 group F member 2; plus strand). Cytogenetic location: 15q26.2.
Variant type: single nucleotide variant.
Coding change: c.691C>A on transcript NM_021005.4 (MANE Select); coding-DNA position 691, C replaced by A.
Protein change: p.Pro231Thr; replaces proline 231 with threonine.
Molecular consequence: missense variant.
Genome position (GRCh38, 1-based): chr15:96,334,324, C>A. VCF-style: chr15-96334324-C-A. GRCh37 (hg19) VCF-style: chr15-96877553-C-A.
Other names: c.292C>A, p.Pro98Thr (NM_001145155.2); c.232C>A, p.Pro78Thr (NM_001145156.1, NM_001145157.2); short protein forms P231T, P78T, P98T.
Identifiers: ClinVar variation 1321294 (VCV001321294.1), dbSNP rs2141169249, ClinGen allele CA393930961.

ClinVar aggregate classification (germline): Uncertain significance (1 of 4 stars; one submission).

Conditions:
Congenital heart defects, multiple types, 4 (CHTD4). Identifiers: MedGen C4014310, MONDO:0014344, OMIM 615779.

Submission:

3billion
Classification: Uncertain significance for Congenital heart defects, multiple types, 4. Last evaluated: 2021-10-25. Review status: criteria provided, single submitter. Criteria: ACMG Guidelines, 2015. Collection method: clinical testing. Allele origin: unknown. Affected: yes. Observed: 1 heterozygote.
Comment: This variant is not observed in the gnomAD v2.1.1 dataset (PM2). In silico tool predictions suggest damaging effect of the variant on gene or gene product (REVEL: 0.883, PP3). Therefore, this variant is classified as uncertain significance according to the recommendation of ACMG/AMP guideline.